The following is an entry in ClinVar:

NM_005529.7(HSPG2):c.5702-2A>G

Gene: HSPG2 (heparan sulfate proteoglycan 2; minus strand). Cytogenetic location: 1p36.12.
Variant type: single nucleotide variant.
Coding change: c.5702-2A>G on transcript NM_005529.7 (MANE Select); the canonical splice acceptor site of the intron before coding-DNA position 5702, A replaced by G.
Molecular consequence: splice acceptor variant.
Genome position (GRCh38, 1-based): chr1:21,855,677, T>C on the plus strand (A>G on the coding strand, the complement: HSPG2 is on the minus strand). VCF-style: chr1-21855677-T-C. GRCh37 (hg19) VCF-style: chr1-22182170-T-C.
Other names: c.5705-2A>G (NM_001291860.2).
Identifiers: ClinVar variation 3672341 (VCV003672341.2).

ClinVar aggregate classification (germline): Likely pathogenic (1 of 4 stars; one submission).

Submission:

Labcorp Genetics (formerly Invitae), Labcorp
Classification: Likely pathogenic. Last evaluated: 2024-07-05. Review status: criteria provided, single submitter. Criteria: Invitae Variant Classification Sherloc (09022015). Collection method: clinical testing. Allele origin: germline.
Comment: This sequence change affects an acceptor splice site in intron 45 of the HSPG2 gene. It is expected to disrupt RNA splicing. Variants that disrupt the donor or acceptor splice site typically lead to a loss of protein function (PMID: 16199547), and loss-of-function variants in HSPG2 are known to be pathogenic (PMID: 11279527, 16927315, 20542149, 23836246). This variant is not present in population databases (gnomAD no frequency). This variant has not been reported in the literature in individuals affected with HSPG2-related conditions. Algorithms developed to predict the effect of sequence changes on RNA splicing suggest that this variant may disrupt the consensus splice site. In summary, the currently available evidence indicates that the variant is pathogenic, but additional data are needed to prove that conclusively. Therefore, this variant has been classified as Likely Pathogenic.

Literature cited by the submitters: PubMed 16199547; PubMed 11279527; PubMed 16927315; PubMed 20542149; PubMed 23836246.